The following is an entry in ClinVar:

ClinVar aggregate classification (germline): Pathogenic. Review status: criteria provided, multiple submitters, no conflicts (2 of 4 stars). 4 submissions from 4 submitters: Pathogenic (3). 1 of the submissions does not count toward it. Last evaluated 2025-10-21.

Conditions:
Congenital myasthenic syndrome (CMS). Also called: Congenital Myasthenic Syndromes. Identifiers: Orphanet 590, MedGen C0751882, MeSH D020294, MONDO:0018940.
Congenital myasthenic syndrome 4A. Also called: Myasthenic syndrome, congenital, 4a, slow-channel; CONGENITAL MYASTHENIC SYNDROME TYPE Ia1; MYASTHENIC SYNDROME, CONGENITAL, 4A, SLOW-CHANNEL, AUTOSOMAL RECESSIVE. Identifiers: Orphanet 590, MedGen C4225413, MONDO:0011600, OMIM 605809.
Congenital myasthenic syndrome 4C (CMS4C). Also called: Myasthenic syndrome, congenital, associated with acetylcholine receptor deficiency. Identifiers: Orphanet 590, MedGen C1837091, MONDO:0012157, OMIM 608931.

Allele frequency attached by ClinVar (database versions not stated): TOPMed 0.00001.
gnomAD v4.1: 7 of 1,614,040 alleles (0.00043%); highest among the groups gnomAD compares: Non-Finnish European, 0.00059%; no homozygotes.

Submissions (4):

Myriad Genetics, Inc.
Classification: Pathogenic for Congenital myasthenic syndrome. Last evaluated: 2025-10-21. Review status: criteria provided, single submitter. Criteria: Myriad Autosomal Dominant, Autosomal Recessive and X-Linked Classification Criteria (2023). Collection method: clinical testing. Allele origin: unknown.
Comment: NM_000080.3(CHRNE):c.250C>T(R84*) is expected to be pathogenic in the context of congenital myasthenic syndrome, CHRNE-related. This variant is predicted to lead to an abnormal or absent protein product due to the creation of a premature termination codon in CHRNE, a gene where loss-of-function variants are known to be pathogenic. Please note: this variant was assessed in the context of healthy population screening.

Labcorp Genetics (formerly Invitae), Labcorp
Classification: Pathogenic for Congenital myasthenic syndrome 4A. Last evaluated: 2025-10-07. Review status: criteria provided, single submitter. Criteria: Invitae Variant Classification Sherloc (09022015). Collection method: clinical testing. Allele origin: germline.
Comment: This sequence change creates a premature translational stop signal (p.Arg84*) in the CHRNE gene. It is expected to result in an absent or disrupted protein product. Loss-of-function variants in CHRNE are known to be pathogenic (PMID: 22678886). This variant is present in population databases (rs121909513, gnomAD 0.0009%). This premature translational stop signal has been observed in individual(s) with autosomal recessive congenital myasthenic syndrome (PMID: 9158150). It has also been observed to segregate with disease in related individuals. This variant is also known as εR64X. ClinVar contains an entry for this variant (Variation ID: 18347). Algorithms developed to predict the effect of sequence changes on RNA splicing suggest that this variant may disrupt the consensus splice site. For these reasons, this variant has been classified as Pathogenic.

Revvity Omics, Revvity
Classification: Pathogenic. Last evaluated: 2020-09-15. Review status: criteria provided, single submitter. Criteria: ACMG Guidelines, 2015. Collection method: clinical testing. Allele origin: germline.

OMIM
Classification: Pathogenic for MYASTHENIC SYNDROME, CONGENITAL, 4C, ASSOCIATED WITH ACETYLCHOLINE RECEPTOR DEFICIENCY. Last evaluated: 1997-05-01. Review status: no assertion criteria provided. Collection method: literature only. Allele origin: germline. Not counted in ClinVar's aggregate classification.

Literature cited by the submitters: PubMed 22678886 (cited by Labcorp Genetics (formerly Invitae), Labcorp); PubMed 9158150 (cited by Labcorp Genetics (formerly Invitae), Labcorp and OMIM).

NM_000080.4(CHRNE):c.250C>T (p.Arg84Ter)

Genes: C17orf107 (chromosome 17 open reading frame 107; plus strand), CHRNE (cholinergic receptor nicotinic epsilon subunit; minus strand). Cytogenetic location: 17p13.2.
Variant type: single nucleotide variant.
Coding change: c.250C>T on transcript NM_000080.4 (MANE Select); coding-DNA position 250, C replaced by T.
Protein change: p.Arg84Ter; replaces arginine 84 with a stop codon.
Molecular consequence: nonsense. On other transcripts: 3 prime UTR variant (1).
Genome position (GRCh38, 1-based): chr17:4,902,311, G>A on the plus strand (C>T on the coding strand, the complement: CHRNE is on the minus strand). VCF-style: chr17-4902311-G-A. GRCh37 (hg19) VCF-style: chr17-4805606-G-A.
Other names: R64*; c.*1778G>A (NM_001145536.2); short protein forms R84*.
Identifiers: ClinVar variation 18347 (VCV000018347.12), dbSNP rs121909513, ClinGen allele CA258174.